The following is an entry in ClinVar:

NM_000548.5(TSC2):c.3405T>A (p.His1135Gln)

Gene: TSC2 (TSC complex subunit 2; plus strand). Cytogenetic location: 16p13.3.
Variant type: single nucleotide variant.
Coding change: c.3405T>A on transcript NM_000548.5 (MANE Select); coding-DNA position 3405, T replaced by A.
Protein change: p.His1135Gln; replaces histidine 1135 with glutamine.
Molecular consequence: missense variant. On other transcripts: non-coding transcript variant (5).
Genome position (GRCh38, 1-based): chr16:2,080,172, T>A. VCF-style: chr16-2080172-T-A. GRCh37 (hg19) VCF-style: chr16-2130173-T-A.
Other names: c.3273T>A, p.His1091Gln (NM_001077183.3, NM_001370404.1, NM_001406665.1); c.3405T>A, p.His1135Gln (NM_001114382.3); c.3165T>A, p.His1055Gln (NM_001318827.2); c.3129T>A, p.His1043Gln (NM_001318829.2); c.2673T>A, p.His891Gln (NM_001318831.2, NM_001406687.1, NM_001406688.1); c.3306T>A, p.His1102Gln (NM_001318832.2); c.3276T>A, p.His1092Gln (NM_001363528.2, NM_001370405.1, NM_021055.3); c.3402T>A, p.His1134Gln (NM_001406663.1, NM_001406664.1); and 18 more; short protein forms H1091Q, H687Q, H1087Q, H1102Q, H1134Q, H644Q, H1043Q, H1055Q.
Identifiers: ClinVar variation 2820225 (VCV002820225.3), dbSNP rs2544091262, ClinGen allele CA394288385.
Genomic context (GRCh38, chr16:2,080,172, plus strand): 5'-GTGGTTTTGCATCAGGTAAGTGGTGGTCACCAGTCCTCTGCCCTCTTCTTCAGGGGGCCA[T>A]GGTCTTCGAGTTGGCGCCCTGGACGTGCCGGCCTCCCAGTTCCTGGGCAGTGCCACTTCT-3'
Protein context (NP_000539.2, residues 1125-1145): RDRVRSMSGG[His1135Gln]GLRVGALDVP

ClinVar aggregate classification (germline): Uncertain significance (1 of 4 stars; one submission).

Conditions:
Tuberous sclerosis 2 (TSC2). Identifiers: Orphanet 805, MedGen C1860707, MONDO:0013199, OMIM 613254.

Submission:

Labcorp Genetics (formerly Invitae), Labcorp
Classification: Uncertain significance for Tuberous sclerosis 2. Last evaluated: 2022-12-12. Review status: criteria provided, single submitter. Criteria: Invitae Variant Classification Sherloc (09022015). Collection method: clinical testing. Allele origin: germline.
Comment: In summary, the available evidence is currently insufficient to determine the role of this variant in disease. Therefore, it has been classified as a Variant of Uncertain Significance. Advanced modeling of protein sequence and biophysical properties (such as structural, functional, and spatial information, amino acid conservation, physicochemical variation, residue mobility, and thermodynamic stability) performed at Invitae indicates that this missense variant is not expected to disrupt TSC2 protein function. This variant has not been reported in the literature in individuals affected with TSC2-related conditions. This variant is not present in population databases (gnomAD no frequency). This sequence change replaces histidine, which is basic and polar, with glutamine, which is neutral and polar, at codon 1135 of the TSC2 protein (p.His1135Gln).